The following is an entry in ClinVar:

ClinVar aggregate classification (germline): Conflicting classifications of pathogenicity. Review status: criteria provided, conflicting classifications (1 of 4 stars). 2 submissions from 2 submitters: Likely pathogenic (1); Uncertain significance (1). Last evaluated 2024-03-13.

Conditions:
Immunodeficiency 57. Also called: IMMUNODEFICIENCY 57 WITH AUTOINFLAMMATION. Identifiers: MedGen C4748212, MONDO:0020849, OMIM 618108.

Allele frequency attached by ClinVar (database versions not stated): gnomAD exomes below 0.00001; ExAC 0.00001; gnomAD 0.00004; TOPMed 0.00004; ESP Exome Variant Server 0.00008.
gnomAD v4.1: 11 of 1,613,528 alleles (0.00068%); highest among the groups gnomAD compares: African/African-American, 0.0093%; no homozygotes.

Submissions (2):

Labcorp Genetics (formerly Invitae), Labcorp
Classification: Uncertain significance. Last evaluated: 2024-03-13. Review status: criteria provided, single submitter. Criteria: Invitae Variant Classification Sherloc (09022015). Collection method: clinical testing. Allele origin: germline.
Comment: This sequence change replaces arginine, which is basic and polar, with histidine, which is basic and polar, at codon 413 of the RIPK1 protein (p.Arg413His). The frequency data for this variant in the population databases is considered unreliable, as metrics indicate poor data quality at this position in the gnomAD database. This variant has not been reported in the literature in individuals affected with RIPK1-related conditions. An algorithm developed to predict the effect of missense changes on protein structure and function (PolyPhen-2) suggests that this variant is likely to be disruptive. In summary, the available evidence is currently insufficient to determine the role of this variant in disease. Therefore, it has been classified as a Variant of Uncertain Significance.

Laboratorio de Genética, Hospital Universitario Reina Sofía
Classification: Likely pathogenic for Immunodeficiency 57. Last evaluated: 2019-05-17. Review status: criteria provided, single submitter. Criteria: ACMG Guidelines, 2015. Collection method: clinical testing. Allele origin: maternal. Inheritance: Autosomal recessive inheritance. Affected: yes. Observed: 1 variant allele, 1 compound heterozygote.
Comment: According to the recommendations of the American College of Clinical Genetics and Genomics, this variant, together with this other synonym variant (NM_003804.5:c.168C>T(p.His56His)) presented by this patient both of them in the RIPK1 gene meets the following criteria: PM2, as the variant is absent from the gnomAD genomes and exomes databases; and PP3, as multiple computational tools support a deleterious effect.

Literature cited by the submitters: PubMed 2886190 (cited by Laboratorio de Genética, Hospital Universitario Reina Sofía).

NM_001354930.2(RIPK1):c.1238G>A (p.Arg413His)

Gene: RIPK1 (receptor interacting serine/threonine kinase 1; plus strand). Cytogenetic location: 6p25.2.
Variant type: single nucleotide variant.
Coding change: c.1238G>A on transcript NM_001354930.2 (MANE Select); coding-DNA position 1238, G replaced by A.
Protein change: p.Arg413His; replaces arginine 413 with histidine.
Molecular consequence: missense variant.
Genome position (GRCh38, 1-based): chr6:3,105,713, G>A. VCF-style: chr6-3105713-G-A. GRCh37 (hg19) VCF-style: chr6-3105947-G-A.
Other names: c.1238G>A (NM_003804.5); c.749G>A, p.Arg250His (NM_001317061.3, NM_001354932.2, NM_001354933.2 and 1 more transcripts); c.1100G>A, p.Arg367His (NM_001354931.2); c.1238G>A, p.Arg413His (NM_003804.6); short protein forms R250H, R413H, R367H.
Identifiers: ClinVar variation 2886190 (VCV002886190.4), dbSNP rs377098078, ClinGen allele CA3618400.